The following is an entry in ClinVar:

NM_005591.4(MRE11):c.2101A>T (p.Ser701Cys)

Gene: MRE11 (MRE11 double strand break repair nuclease; minus strand). Cytogenetic location: 11q21.
Variant type: single nucleotide variant.
Coding change: c.2101A>T on transcript NM_005591.4 (MANE Select); coding-DNA position 2101, A replaced by T.
Protein change: p.Ser701Cys; replaces serine 701 with cysteine.
Molecular consequence: missense variant.
Genome position (GRCh38, 1-based): chr11:94,420,151, T>A on the plus strand (A>T on the coding strand, the complement: MRE11 is on the minus strand). VCF-style: chr11-94420151-T-A. GRCh37 (hg19) VCF-style: chr11-94153317-T-A.
Other names: c.2098A>T, p.Ser700Cys (NM_001330347.2); c.2017A>T, p.Ser673Cys (NM_005590.4); short protein forms S700C, S701C, S673C.
Identifiers: ClinVar variation 3874313 (VCV003874313.1).

ClinVar aggregate classification (germline): Uncertain significance (1 of 4 stars; one submission).

Conditions:
Hereditary cancer-predisposing syndrome. Also called: Tumor predisposition; Neoplastic Syndromes, Hereditary; Hereditary Cancer Syndrome; Hereditary neoplastic syndrome. Identifiers: Orphanet 140162, MedGen C0027672, MeSH D009386, MONDO:0015356.

Submission:

Ambry Genetics
Classification: Uncertain significance for Hereditary cancer-predisposing syndrome. Last evaluated: 2024-12-19. Review status: criteria provided, single submitter. Criteria: Ambry Variant Classification Scheme 2023. Collection method: clinical testing. Allele origin: germline.
Comment: The p.S701C variant (also known as c.2101A>T), located in coding exon 19 of the MRE11A gene, results from an A to T substitution at nucleotide position 2101. The serine at codon 701 is replaced by cysteine, an amino acid with dissimilar properties. This amino acid position is conserved. In addition, this alteration is predicted to be tolerated by in silico analysis. Based on the available evidence, the clinical significance of this variant remains unclear.